The following is an entry in ClinVar:

ClinVar aggregate classification (germline): Uncertain significance. Review status: criteria provided, multiple submitters, no conflicts (2 of 4 stars). 3 submissions from 3 submitters: Uncertain significance (3). Last evaluated 2026-02-20.

Conditions:
Developmental and epileptic encephalopathy, 14 (DEE14). Also called: Early infantile epileptic encephalopathy 14. Identifiers: Orphanet 293181, MedGen C3554195, MONDO:0013989, OMIM 614959.
Autosomal dominant nocturnal frontal lobe epilepsy 5. Also called: CILIARY DYSKINESIA, PRIMARY, 28, WITHOUT SITUS INVERSUS; CILIARY DYSKINESIA, PRIMARY, 28, WITH SITUS INVERSUS; Epilepsy, nocturnal frontal lobe, 5; KCNT1-Related Epilepsy. Identifiers: Orphanet 98784, MedGen C3554306, MONDO:0014002, OMIM 615005.
KCNT1-related disorder. Also called: KCNT1-related condition.

Allele frequency attached by ClinVar (database versions not stated): gnomAD exomes 0.00001.
gnomAD v4.1: 9 of 1,613,588 alleles (0.00056%); highest among the groups gnomAD compares: Non-Finnish European, 0.00076%; no homozygotes.

Submissions (3):

PreventionGenetics, part of Exact Sciences
Classification: Uncertain significance for KCNT1-related condition. Last evaluated: 2026-02-20. Review status: criteria provided, single submitter. Criteria: ACMG Guidelines, 2015. Collection method: clinical testing. Allele origin: germline.
Comment: The KCNT1 c.952G>A variant is predicted to result in the amino acid substitution p.Gly318Ser. To our knowledge, this variant has not been reported in the literature or in a large population database (gnomAD), indicating this variant is rare. At this time, the clinical significance of this variant is uncertain due to the absence of conclusive functional and genetic evidence.

Labcorp Genetics (formerly Invitae), Labcorp
Classification: Uncertain significance for Autosomal dominant nocturnal frontal lobe epilepsy 5; Developmental and epileptic encephalopathy, 14. Last evaluated: 2025-11-09. Review status: criteria provided, single submitter. Criteria: Invitae Variant Classification Sherloc (09022015). Collection method: clinical testing. Allele origin: germline.
Comment: This sequence change replaces glycine, which is neutral and non-polar, with serine, which is neutral and polar, at codon 318 of the KCNT1 protein (p.Gly318Ser). This variant is not present in population databases (gnomAD no frequency). This variant has not been reported in the literature in individuals affected with KCNT1-related conditions. ClinVar contains an entry for this variant (Variation ID: 1015552). Invitae Evidence Modeling of protein sequence and biophysical properties (such as structural, functional, and spatial information, amino acid conservation, physicochemical variation, residue mobility, and thermodynamic stability) indicates that this missense variant is expected to disrupt KCNT1 protein function with a positive predictive value of 80%. In summary, the available evidence is currently insufficient to determine the role of this variant in disease. Therefore, it has been classified as a Variant of Uncertain Significance.

Blueprint Genetics
Classification: Uncertain significance. Last evaluated: 2024-07-29. Review status: criteria provided, single submitter. Criteria: ACMG Guidelines, 2015. Collection method: clinical testing. Allele origin: germline.

NM_020822.3(KCNT1):c.952G>A (p.Gly318Ser)

Gene: KCNT1 (potassium sodium-activated channel subfamily T member 1; plus strand). Cytogenetic location: 9q34.3.
Variant type: single nucleotide variant.
Coding change: c.952G>A on transcript NM_020822.3 (MANE Select); coding-DNA position 952, G replaced by A.
Protein change: p.Gly318Ser; replaces glycine 318 with serine.
Molecular consequence: missense variant.
Genome position (GRCh38, 1-based): chr9:135,759,776, G>A. VCF-style: chr9-135759776-G-A. GRCh37 (hg19) VCF-style: chr9-138651622-G-A.
Other names: c.817G>A, p.Gly273Ser (NM_001272003.2); c.952G>A (NM_020822.2); short protein forms G273S, G318S.
Identifiers: ClinVar variation 1015552 (VCV001015552.12), dbSNP rs1831783786, ClinGen allele CA375498559.